The following is an entry in ClinVar:

ClinVar aggregate classification (germline): Uncertain significance (1 of 4 stars; one submission).

Conditions:
Autosomal dominant nonsyndromic hearing loss 12. Also called: DEAFNESS, AUTOSOMAL DOMINANT 8. Identifiers: Orphanet 90635, MedGen C1832187, MONDO:0011102, OMIM 601543.

Submission:

Diagnostics Services (NGS), CSIR - Centre For Cellular And Molecular Biology
Classification: Uncertain significance for Autosomal dominant nonsyndromic hearing loss 12. Last evaluated: 2021-10-25. Review status: criteria provided, single submitter. Criteria: ACMG Guidelines, 2015. Collection method: clinical testing. Allele origin: unknown. Inheritance: Autosomal dominant inheritance. Affected: yes. Observed: 1 variant allele, 1 heterozygote.
Comment: The c.1690C>T variant is not present in publicly available population databases like 1000 Genomes, EVS, ExAC, gnomAD and dbSNP. The heterozygous state of the variant is present in Indian Exome Database at a very low frequency. The variant was not earlier reported to ClinVar, Human Genome Mutation Database (HGMD) and OMIM databases in any affected individuals. In-silico pathogenicity prediction programs like SIFT, Polyphen-2, MutationTaster2, CADD predicted this variant to be likely deleterious, however these predictions have not been confirmed by published functional studies.

NM_005422.4(TECTA):c.1690C>T (p.Leu564Phe)

Genes: TECTA (tectorin alpha; plus strand), TBCEL-TECTA (TBCEL-TECTA readthrough; plus strand). Cytogenetic location: 11q23.3.
Variant type: single nucleotide variant.
Coding change: c.1690C>T on transcript NM_005422.4 (MANE Select); coding-DNA position 1690, C replaced by T.
Protein change: p.Leu564Phe; replaces leucine 564 with phenylalanine.
Molecular consequence: missense variant.
Genome position (GRCh38, 1-based): chr11:121,125,788, C>T. VCF-style: chr11-121125788-C-T. GRCh37 (hg19) VCF-style: chr11-120996497-C-T.
Other names: c.2647C>T, p.Leu883Phe (NM_001378761.1); short protein forms L564F, L883F.
Identifiers: ClinVar variation 1329482 (VCV001329482.3), dbSNP rs2135078204, ClinGen allele CA383012501.